The following is an entry in ClinVar:

ClinVar aggregate classification (germline): Uncertain significance (1 of 4 stars; one submission).

Conditions:
Hereditary cancer-predisposing syndrome. Also called: Neoplastic Syndromes, Hereditary; Hereditary Cancer Syndrome; Tumor predisposition; Hereditary neoplastic syndrome. Identifiers: Orphanet 140162, MedGen C0027672, MeSH D009386, MONDO:0015356.

Submission:

Ambry Genetics
Classification: Uncertain significance for Hereditary cancer-predisposing syndrome. Last evaluated: 2025-10-13. Review status: criteria provided, single submitter. Criteria: Ambry Variant Classification Scheme 2023. Collection method: clinical testing. Allele origin: germline.
Comment: The p.F111L variant (also known as c.333C>A), located in coding exon 3 of the CTNNA1 gene, results from a C to A substitution at nucleotide position 333. The phenylalanine at codon 111 is replaced by leucine, an amino acid with highly similar properties. This amino acid position is conserved. In addition, the in silico prediction for this alteration is inconclusive. Since supporting evidence is limited at this time, the clinical significance of this alteration remains unclear.

NM_001903.5(CTNNA1):c.333C>A (p.Phe111Leu)

Gene: CTNNA1 (catenin alpha 1; plus strand). Cytogenetic location: 5q31.2.
Variant type: single nucleotide variant.
Coding change: c.333C>A on transcript NM_001903.5 (MANE Select); coding-DNA position 333, C replaced by A.
Protein change: p.Phe111Leu; replaces phenylalanine 111 with leucine.
Molecular consequence: missense variant. On other transcripts: intron variant (1).
Genome position (GRCh38, 1-based): chr5:138,810,069, C>A. VCF-style: chr5-138810069-C-A. GRCh37 (hg19) VCF-style: chr5-138145758-C-A.
Other names: c.333C>A, p.Phe111Leu (NM_001290307.3, NM_001323984.2, NM_001323985.2 and 3 more transcripts); c.-5-32C>A (NM_001290310.3); c.24C>A, p.Phe8Leu (NM_001290309.3); short protein forms F111L, F8L.
Identifiers: ClinVar variation 2448347 (VCV002448347.3), dbSNP rs775070610, ClinGen allele CA361122905.
Genomic context (GRCh38, chr5:138,810,069, plus strand): 5'-CTGAGTTTGTTTTTCATTCTGTAAAACAGGTGATTTGATGAAGGCTGCTGCAGGAGAGTT[C>A]GCAGATGATCCCTGCTCTTCTGTGAAGCGAGGCAACATGGTTCGGGCAGCTCGAGCTTTG-3'
Protein context (NP_001894.2, residues 101-121): GDLMKAAAGE[Phe111Leu]ADDPCSSVKR